The following is an entry in ClinVar:

ClinVar aggregate classification (germline): Uncertain significance (1 of 4 stars; one submission).

Conditions:
Hereditary pancreatitis (PCTT). Also called: Hereditary chronic pancreatitis; PRSS1-Related Hereditary Pancreatitis. Identifiers: Orphanet 676, MedGen C0238339, MONDO:0008185, OMIM 167800.

Submission:

Ambry Genetics
Classification: Uncertain significance for Hereditary pancreatitis. Last evaluated: 2026-08-04. Review status: criteria provided, single submitter. Criteria: Ambry Variant Classification Scheme 2023. Collection method: clinical testing. Allele origin: germline.
Comment: The p.V6L variant (also known as c.16G>T), located in coding exon 1 of the CPA1 gene, results from a G to T substitution at nucleotide position 16. The valine at codon 6 is replaced by leucine, an amino acid with highly similar properties. This amino acid position is conserved. In addition, this alteration is predicted to be tolerated by in silico analysis. Based on the available evidence, the clinical significance of this variant remains unclear.

NM_001868.4(CPA1):c.16G>T (p.Val6Leu)

Gene: CPA1 (carboxypeptidase A1; plus strand). Cytogenetic location: 7q32.2.
Variant type: single nucleotide variant.
Coding change: c.16G>T on transcript NM_001868.4 (MANE Select); coding-DNA position 16, G replaced by T.
Protein change: p.Val6Leu; replaces valine 6 with leucine.
Molecular consequence: missense variant.
Genome position (GRCh38, 1-based): chr7:130,380,536, G>T. VCF-style: chr7-130380536-G-T. GRCh37 (hg19) VCF-style: chr7-130020377-G-T.
Other names: short protein forms V6L.
Identifiers: ClinVar variation 5034914 (VCV005034914.1).